The following is an entry in ClinVar:

NM_004444.5(EPHB4):c.1540G>A (p.Gly514Ser)

Gene: EPHB4 (EPH receptor B4; minus strand). Cytogenetic location: 7q22.1.
Variant type: single nucleotide variant.
Coding change: c.1540G>A on transcript NM_004444.5 (MANE Select); coding-DNA position 1540, G replaced by A.
Protein change: p.Gly514Ser; replaces glycine 514 with serine.
Molecular consequence: missense variant.
Genome position (GRCh38, 1-based): chr7:100,817,240, C>T on the plus strand (G>A on the coding strand, the complement: EPHB4 is on the minus strand). VCF-style: chr7-100817240-C-T. GRCh37 (hg19) VCF-style: chr7-100414862-C-T.
Other names: short protein forms G514S.
Identifiers: ClinVar variation 1700959 (VCV001700959.7), dbSNP rs1813097270, ClinGen allele CA368572802.
Genomic context (GRCh38, chr7:100,817,240, plus strand): 5'-CCCCAGGCTCACCATCCAGTTGGGTCTGGCTGTGATGTTCCTGGCCGAAGGGCCCGTAGC[C>T]GGCCTCAGAGCGCGCCCGTACCTGCACCAGGTAGCTGGCTCCCCGCTTCAGCCCCCGCAG-3'
Protein context (NP_004435.3, residues 504-524): LVQVRARSEA[Gly514Ser]YGPFGQEHHS

ClinVar aggregate classification (germline): Uncertain significance. Review status: criteria provided, multiple submitters, no conflicts (2 of 4 stars). 2 submissions from 2 submitters: Uncertain significance (2). Last evaluated 2026-01-11.

Allele frequency attached by ClinVar (database versions not stated): TOPMed below 0.00001.
gnomAD v4.1: 2 of 1,601,882 alleles (0.00012%); highest among the groups gnomAD compares: Admixed American, 0.0017%; no homozygotes.

Submissions (2):

GeneDx
Classification: Uncertain significance. Last evaluated: 2026-01-11. Review status: criteria provided, single submitter. Criteria: GeneDx Variant Classification Process June 2021. Collection method: clinical testing. Allele origin: germline. Affected: yes.
Comment: Not observed at significant frequency in large population cohorts (gnomAD); In silico analysis supports that this missense variant has a deleterious effect on protein structure/function; Has not been previously published as pathogenic or benign to our knowledge

Labcorp Genetics (formerly Invitae), Labcorp
Classification: Uncertain significance. Last evaluated: 2024-04-24. Review status: criteria provided, single submitter. Criteria: Invitae Variant Classification Sherloc (09022015). Collection method: clinical testing. Allele origin: germline.
Comment: This sequence change replaces glycine, which is neutral and non-polar, with serine, which is neutral and polar, at codon 514 of the EPHB4 protein (p.Gly514Ser). This variant is not present in population databases (gnomAD no frequency). This variant has not been reported in the literature in individuals affected with EPHB4-related conditions. ClinVar contains an entry for this variant (Variation ID: 1700959). Advanced modeling of protein sequence and biophysical properties (such as structural, functional, and spatial information, amino acid conservation, physicochemical variation, residue mobility, and thermodynamic stability) performed at Invitae indicates that this missense variant is expected to disrupt EPHB4 protein function with a positive predictive value of 80%. In summary, the available evidence is currently insufficient to determine the role of this variant in disease. Therefore, it has been classified as a Variant of Uncertain Significance.